The following is an entry in ClinVar:

ClinVar aggregate classification (germline): Likely pathogenic (1 of 4 stars; one submission).

Conditions:
Primary immunodeficiency with post-measles-mumps-rubella vaccine viral infection. Also called: Immunodeficiency 44. Identifiers: Orphanet 431166, MedGen C4225260, MONDO:0014715, OMIM 616636.

Submission:

Labcorp Genetics (formerly Invitae), Labcorp
Classification: Likely pathogenic for Primary immunodeficiency with post-measles-mumps-rubella vaccine viral infection. Last evaluated: 2026-01-17. Review status: criteria provided, single submitter. Criteria: Invitae Variant Classification Sherloc (09022015). Collection method: clinical testing. Allele origin: germline.
Comment: This sequence change affects a donor splice site in intron 2 of the STAT2 gene. It is expected to disrupt RNA splicing. Variants that disrupt the donor or acceptor splice site typically lead to a loss of protein function (PMID: 16199547), and loss-of-function variants in STAT2 are known to be pathogenic (PMID: 23391734, 26122121). This variant is not present in population databases (gnomAD no frequency). This variant has not been reported in the literature in individuals affected with STAT2-related conditions. ClinVar contains an entry for this variant (Variation ID: 2107909). Algorithms developed to predict the effect of sequence changes on RNA splicing suggest that this variant may disrupt the consensus splice site. In summary, the currently available evidence indicates that the variant is pathogenic, but additional data are needed to prove that conclusively. Therefore, this variant has been classified as Likely Pathogenic.

Literature cited by the submitters: PubMed 16199547; PubMed 23391734; PubMed 26122121.

NM_005419.4(STAT2):c.131+1G>A

Gene: STAT2 (signal transducer and activator of transcription 2; minus strand). Cytogenetic location: 12q13.3.
Variant type: single nucleotide variant.
Coding change: c.131+1G>A on transcript NM_005419.4 (MANE Select); the canonical splice donor site of the intron after coding-DNA position 131, G replaced by A.
Molecular consequence: splice donor variant.
Genome position (GRCh38, 1-based): chr12:56,356,440, C>T on the plus strand (G>A on the coding strand, the complement: STAT2 is on the minus strand). VCF-style: chr12-56356440-C-T. GRCh37 (hg19) VCF-style: chr12-56750224-C-T.
Other names: c.131+1G>A (NM_001385110.1, NM_001385115.1, NM_198332.2 and 3 more transcripts).
Identifiers: ClinVar variation 2107909 (VCV002107909.4), dbSNP rs2136091638, ClinGen allele CA385264054.